The following is an entry in ClinVar:

ClinVar aggregate classification (germline): Uncertain significance (1 of 4 stars; one submission).

Allele frequency attached by ClinVar (database versions not stated): gnomAD exomes below 0.00001; gnomAD 0.00001; TOPMed 0.00001.

Submission:

Labcorp Genetics (formerly Invitae), Labcorp
Classification: Uncertain significance. Last evaluated: 2021-07-04. Review status: criteria provided, single submitter. Criteria: Invitae Variant Classification Sherloc (09022015). Collection method: clinical testing. Allele origin: germline.
Comment: In summary, the available evidence is currently insufficient to determine the role of this variant in disease. Therefore, it has been classified as a Variant of Uncertain Significance. Algorithms developed to predict the effect of missense changes on protein structure and function are either unavailable or do not agree on the potential impact of this missense change (SIFT: "Tolerated"; PolyPhen-2: "Probably Damaging"; Align-GVGD: "Class C0"). This variant has not been reported in the literature in individuals affected with VPS33A-related conditions. This variant is not present in population databases (ExAC no frequency). This sequence change replaces tyrosine with cysteine at codon 186 of the VPS33A protein (p.Tyr186Cys). The tyrosine residue is moderately conserved and there is a large physicochemical difference between tyrosine and cysteine.

NM_022916.6(VPS33A):c.557A>G (p.Tyr186Cys)

Gene: VPS33A (VPS33A core subunit of CORVET and HOPS complexes; minus strand). Cytogenetic location: 12q24.31.
Variant type: single nucleotide variant.
Coding change: c.557A>G on transcript NM_022916.6 (MANE Select); coding-DNA position 557, A replaced by G.
Protein change: p.Tyr186Cys; replaces tyrosine 186 with cysteine.
Molecular consequence: missense variant.
Genome position (GRCh38, 1-based): chr12:122,251,026, T>C on the plus strand (A>G on the coding strand, the complement: VPS33A is on the minus strand). VCF-style: chr12-122251026-T-C. GRCh37 (hg19) VCF-style: chr12-122735573-T-C.
Other names: c.524A>G, p.Tyr175Cys (NM_001351018.2); c.509A>G, p.Tyr170Cys (NM_001351019.2); c.557A>G, p.Tyr186Cys (NM_001351020.2); short protein forms Y170C, Y175C, Y186C.
Identifiers: ClinVar variation 1442781 (VCV001442781.6), dbSNP rs1357452500, ClinGen allele CA387018285.